The following is an entry in ClinVar:

ClinVar aggregate classification (germline): Pathogenic. Review status: criteria provided, single submitter (1 of 4 stars). 2 submissions from 2 submitters: Pathogenic (1). 1 of the submissions does not count toward it. Last evaluated 2023-02-08.

Conditions:
Fraser syndrome 1 (FRASRS1). Also called: CRYPTOPHTHALMOS WITH OTHER MALFORMATIONS. Identifiers: Orphanet 2052, MedGen C4551480, MONDO:0054737, OMIM 219000.

Submissions (2):

GeneDx
Classification: Pathogenic. Last evaluated: 2023-02-08. Review status: criteria provided, single submitter. Criteria: GeneDx Variant Classification Process June 2021. Collection method: clinical testing. Allele origin: germline. Affected: yes.
Comment: Nonsense variant predicted to result in protein truncation or nonsense mediated decay in a gene for which loss of function is a known mechanism of disease; Not observed at significant frequency in large population cohorts (gnomAD); Identified in patients with clinical features consistent with an FRAS1-related disorder referred for genetic testing at GeneDx and in published literature (Boussion et al., 2020); This variant is associated with the following publications: (PMID: 31923588)

Centre de Biologie Pathologie Génétique, Centre Hospitalier Universitaire de Lille
Classification: Pathogenic for Fraser syndrome 1. Review status: no assertion criteria provided. Collection method: clinical testing. Allele origin: maternal. Inheritance: Autosomal recessive inheritance. Affected: yes. Not counted in ClinVar's aggregate classification.

NM_025074.7(FRAS1):c.10820C>G (p.Ser3607Ter)

Gene: FRAS1 (Fraser extracellular matrix complex subunit 1; plus strand). Cytogenetic location: 4q21.21.
Variant type: single nucleotide variant.
Coding change: c.10820C>G on transcript NM_025074.7 (MANE Select); coding-DNA position 10820, C replaced by G.
Protein change: p.Ser3607Ter; replaces serine 3607 with a stop codon.
Molecular consequence: nonsense.
Genome position (GRCh38, 1-based): chr4:78,526,552, C>G. VCF-style: chr4-78526552-C-G. GRCh37 (hg19) VCF-style: chr4-79447706-C-G.
Other names: c.10820C>G (NM_025074.6); short protein forms S3607*.
Identifiers: ClinVar variation 633615 (VCV000633615.3), dbSNP rs1006839535, ClinGen allele CA99980617.
Genomic context (GRCh38, chr4:78,526,552, plus strand): 5'-AACCTATCAGTTGTTCCCTACGATCACAGTCTGCTCTGCATGTTTCCAGGAAGGACTACT[C>G]AGGAGAGTACACCATCTACCTGATCCCTTGCACAGTGCAGCCCACACAGCCATGGGTTGA-3'